The following is an entry in ClinVar:

ClinVar aggregate classification (germline): Uncertain significance. Review status: criteria provided, multiple submitters, no conflicts (2 of 4 stars). 2 submissions from 2 submitters: Uncertain significance (2). Last evaluated 2025-07-07.

Conditions:
Hereditary cancer-predisposing syndrome. Also called: Neoplastic Syndromes, Hereditary; Tumor predisposition; Hereditary Cancer Syndrome; Hereditary neoplastic syndrome. Identifiers: Orphanet 140162, MedGen C0027672, MeSH D009386, MONDO:0015356.
Familial cancer of breast. Also called: Hereditary breast cancer; BREAST CANCER, FAMILIAL; hereditary breast carcinoma. Identifiers: Orphanet 227535, MedGen C0346153, MONDO:0016419, OMIM 114480. Disease mechanism: loss of function.

Submissions (2):

KCCC/NGS Laboratory, Kuwait Cancer Control Center
Classification: Uncertain significance for Familial cancer of breast. Last evaluated: 2025-07-07. Review status: criteria provided, single submitter. Criteria: ACMG Guidelines, 2015. Collection method: clinical testing. Allele origin: germline. Inheritance: Autosomal dominant inheritance. Affected: yes. Observed: 1 heterozygote.
Comment: This missense variant replaces methionine with isoleucine at codon 1890 of the BRCA2 protein.This variant has not been identified in the general population by the Genome Aggregation Database (gnomAD). Computational prediction suggests that this variant may not impact protein structure and function . This amino acid postion is not highly conservative ( PhyloP=0.14). This variant has not been reported in individuals affected with BRCA2-related disorders in the literature. The available evidence is insufficient to determine the role of this variant in disease conclusively. Therefore, this variant is classified as a Variant of Uncertain Significance

Color Diagnostics, LLC DBA Color Health
Classification: Uncertain significance for Hereditary cancer-predisposing syndrome. Last evaluated: 2023-05-08. Review status: criteria provided, single submitter. Criteria: ACMG Guidelines, 2015. Collection method: clinical testing. Allele origin: germline.
Comment: This missense variant replaces methionine with isoleucine at codon 1890 of the BRCA2 protein. Computational prediction suggests that this variant may not impact protein structure and function (internally defined REVEL score threshold <= 0.5, PMID: 27666373). To our knowledge, functional studies have not been reported for this variant. This variant has not been reported in individuals affected with BRCA2-related disorders in the literature. This variant has not been identified in the general population by the Genome Aggregation Database (gnomAD). The available evidence is insufficient to determine the role of this variant in disease conclusively. Therefore, this variant is classified as a Variant of Uncertain Significance.

NM_000059.4(BRCA2):c.5670G>T (p.Met1890Ile)

Gene: BRCA2 (BRCA2 DNA repair associated; plus strand). Cytogenetic location: 13q13.1.
Variant type: single nucleotide variant.
Coding change: c.5670G>T on transcript NM_000059.4 (MANE Select); coding-DNA position 5670, G replaced by T.
Protein change: p.Met1890Ile; replaces methionine 1890 with isoleucine.
Molecular consequence: missense variant. On other transcripts: intron variant (2), non-coding transcript variant (1).
Genome position (GRCh38, 1-based): chr13:32,340,025, G>T. VCF-style: chr13-32340025-G-T. GRCh37 (hg19) VCF-style: chr13-32914162-G-T.
Other names: c.425-4533G>T (NM_001406722.1); c.5670G>T, p.Met1890Ile (NM_001406719.1, NM_001406720.1, NM_001432077.1); c.1910-4533G>T (NM_001406721.1); short protein forms M1890I.
Identifiers: ClinVar variation 3894360 (VCV003894360.1).